The following is an entry in ClinVar:

NM_173602.3(DIP2B):c.482C>T (p.Ser161Phe)

Gene: DIP2B (DIP2 acetate--CoA ligase B (putative); plus strand). Cytogenetic location: 12q13.12.
Variant type: single nucleotide variant.
Coding change: c.482C>T on transcript NM_173602.3 (MANE Select); coding-DNA position 482, C replaced by T.
Protein change: p.Ser161Phe; replaces serine 161 with phenylalanine.
Molecular consequence: missense variant.
Genome position (GRCh38, 1-based): chr12:50,671,240, C>T. VCF-style: chr12-50671240-C-T. GRCh37 (hg19) VCF-style: chr12-51065023-C-T.
Other names: short protein forms S161F.
Identifiers: ClinVar variation 4687160 (VCV004687160.1).

ClinVar aggregate classification (germline): Uncertain significance (1 of 4 stars; one submission).

gnomAD v4.1: 4 of 1,614,100 alleles (0.00025%); highest among the groups gnomAD compares: Non-Finnish European, 0.00034%; no homozygotes.

Submission:

Women's Health and Genetics/Laboratory Corporation of America, LabCorp
Classification: Uncertain significance. Last evaluated: 2025-10-20. Review status: criteria provided, single submitter. Criteria: LabCorp Variant Classification Summary - May 2015. Collection method: clinical testing. Allele origin: germline.
Comment: Variant summary: DIP2B c.482C>T (p.Ser161Phe) results in a non-conservative amino acid change in the encoded protein sequence. Algorithms developed to predict the effect of missense changes on protein structure and function are either unavailable or do not agree on the potential impact of this missense change. The variant was absent in 251430 control chromosomes. The available data on variant occurrences in the general population are insufficient to allow any conclusion about variant significance. c.482C>T has been observed in individual(s) affected Autism (Zhou_2022) without evidence for causality. These report(s) do not provide unequivocal conclusions about association of the variant with Intellectual Disability, FRA12A Type. To our knowledge, no experimental evidence demonstrating an impact on protein function has been reported. The following publication have been ascertained in the context of this evaluation (PMID: 35982159). No submitters have cited clinical-significance assessments for this variant to ClinVar. Based on the evidence outlined above, the variant was classified as uncertain significance.

Literature cited by the submitters: PubMed 35982159.